The following is an entry in ClinVar:

NM_001035.3(RYR2):c.14757-6del

Gene: RYR2 (ryanodine receptor 2; plus strand). Cytogenetic location: 1q43.
Variant type: Deletion.
Coding change: c.14757-6del on transcript NM_001035.3 (MANE Select); 6 bases into the intron before coding-DNA position 14757, one base deleted (C; older notation c.14757-6delC).
Molecular consequence: intron variant.
Genome position (GRCh38, 1-based): chr1:237,831,508, C deleted. VCF-style (leftmost placement, unchanged base first): chr1-237831507-TC-T. GRCh37 (hg19) VCF-style: chr1-237994807-TC-T.
Identifiers: ClinVar variation 917821 (VCV000917821.1), dbSNP rs1663791400, ClinGen allele CA1139656717.

ClinVar aggregate classification (germline): Uncertain significance (1 of 4 stars; one submission).

Submission:

Women's Health and Genetics/Laboratory Corporation of America, LabCorp
Classification: Uncertain significance. Last evaluated: 2020-04-20. Review status: criteria provided, single submitter. Criteria: LabCorp Variant Classification Summary - May 2015. Collection method: clinical testing. Allele origin: germline.
Comment: Variant summary: RYR2 c.14757-6delC alters a non-conserved nucleotide located close to a canonical splice site and therefore could affect mRNA splicing, leading to a significantly altered protein sequence. 4/4 computational tools predict no significant impact on normal splicing. However, these predictions have yet to be confirmed by functional studies. The variant was absent in 244230 control chromosomes. The available data on variant occurrences in the general population are insufficient to allow any conclusion about variant significance. To our knowledge, no occurrence of c.14757-6delC in individuals affected with Cardiomyopathy and no experimental evidence demonstrating its impact on protein function have been reported. One clinical diagnostic laboratory has submitted clinical-significance assessments for this variant to ClinVar after 2014 without evidence for independent evaluation and cited the variant as likely benign. Based on the evidence outlined above, the variant was classified as uncertain significance.